The following is an entry in ClinVar:

ClinVar aggregate classification (germline): Uncertain significance (1 of 4 stars; one submission).

Submission:

Women's Health and Genetics/Laboratory Corporation of America, LabCorp
Classification: Uncertain significance. Last evaluated: 2022-05-24. Review status: criteria provided, single submitter. Criteria: LabCorp Variant Classification Summary - May 2015. Collection method: clinical testing. Allele origin: germline.
Comment: Variant summary: CNOT2 c.-9C>T alters a conserved nucleotide located in the untranslated mRNA region upstream of the initiation codon. The variant was absent in 250934 control chromosomes. The available data on variant occurrences in the general population are insufficient to allow any conclusion about variant significance. To our knowledge, no occurrence of c.-9C>T in individuals affected with Intellectual Developmental Disorder With Nasal Speech, Dysmorphic Facies, And Variable Skeletal Anomalies and no experimental evidence demonstrating its impact on protein function have been reported. No clinical diagnostic laboratories have submitted clinical-significance assessments for this variant to ClinVar after 2014. Based on the evidence outlined above, the variant was classified as uncertain significance.

NM_014515.7(CNOT2):c.-9C>T

Gene: CNOT2 (CCR4-NOT transcription complex subunit 2; plus strand). Cytogenetic location: 12q15.
Variant type: single nucleotide variant.
Coding change: c.-9C>T on transcript NM_014515.7 (MANE Select); 9 bases upstream of the start codon, C replaced by T.
Molecular consequence: 5 prime UTR variant. On other transcripts: non-coding transcript variant (1).
Genome position (GRCh38, 1-based): chr12:70,278,218, C>T. VCF-style: chr12-70278218-C-T. GRCh37 (hg19) VCF-style: chr12-70671998-C-T.
Other names: c.-9C>T (NM_001199302.2, NM_001199303.2).
Identifiers: ClinVar variation 1696316 (VCV001696316.1), dbSNP rs2135804415, ClinGen allele CA2580086669.